The following is an entry in ClinVar:

NM_024596.5(MCPH1):c.2126C>T (p.Ser709Phe)

Gene: MCPH1 (microcephalin 1; plus strand). Cytogenetic location: 8p23.1.
Variant type: single nucleotide variant.
Coding change: c.2126C>T on transcript NM_024596.5 (MANE Select); coding-DNA position 2126, C replaced by T.
Protein change: p.Ser709Phe; replaces serine 709 with phenylalanine.
Molecular consequence: missense variant. On other transcripts: genic downstream transcript variant (1).
Genome position (GRCh38, 1-based): chr8:6,480,866, C>T. VCF-style: chr8-6480866-C-T. GRCh37 (hg19) VCF-style: chr8-6338387-C-T.
Other names: c.2126C>T, p.Ser709Phe (NM_001322042.2, NM_001363979.1, NM_001410916.1 and 1 more transcripts); c.1935+25614C>T (NM_001363980.2); c.2126C>T (NM_024596.3); short protein forms S709F.
Identifiers: ClinVar variation 1897917 (VCV001897917.4), dbSNP rs2129559816, ClinGen allele CA370215875.

ClinVar aggregate classification (germline): Uncertain significance. Review status: criteria provided, multiple submitters, no conflicts (2 of 4 stars). 2 submissions from 2 submitters: Uncertain significance (2). Last evaluated 2024-07-25.

Conditions:
Inborn genetic diseases. Identifiers: MedGen C0950123, MeSH D030342.

gnomAD v4.1: 5 of 1,614,082 alleles (0.00031%); highest among the groups gnomAD compares: Non-Finnish European, 0.00025%; no homozygotes.

Submissions (2):

Ambry Genetics
Classification: Uncertain significance for Inborn genetic diseases. Last evaluated: 2024-07-25. Review status: criteria provided, single submitter. Criteria: Ambry Variant Classification Scheme 2023. Collection method: clinical testing. Allele origin: germline.

Labcorp Genetics (formerly Invitae), Labcorp
Classification: Uncertain significance. Last evaluated: 2022-01-01. Review status: criteria provided, single submitter. Criteria: Invitae Variant Classification Sherloc (09022015). Collection method: clinical testing. Allele origin: germline.
Comment: In summary, the available evidence is currently insufficient to determine the role of this variant in disease. Therefore, it has been classified as a Variant of Uncertain Significance. Algorithms developed to predict the effect of missense changes on protein structure and function are either unavailable or do not agree on the potential impact of this missense change (SIFT: "Not Available"; PolyPhen-2: "Probably Damaging"; Align-GVGD: "Not Available"). This variant has not been reported in the literature in individuals affected with MCPH1-related conditions. This variant is not present in population databases (gnomAD no frequency). This sequence change replaces serine, which is neutral and polar, with phenylalanine, which is neutral and non-polar, at codon 709 of the MCPH1 protein (p.Ser709Phe).